The following is an entry in ClinVar:

ClinVar aggregate classification (germline): Uncertain significance (1 of 4 stars; one submission).

gnomAD v4.1: 7 of 1,613,528 alleles (0.00043%); highest among the groups gnomAD compares: African/African-American, 0.0093%; no homozygotes.

Submission:

Ambry Genetics
Classification: Uncertain significance. Last evaluated: 2024-11-26. Review status: criteria provided, single submitter. Criteria: Ambry Variant Classification Scheme 2023. Collection method: clinical testing. Allele origin: germline.
Comment: The p.G663D variant (also known as c.1988G>A), located in coding exon 13 of the GEN1 gene, results from a G to A substitution at nucleotide position 1988. The glycine at codon 663 is replaced by aspartic acid, an amino acid with similar properties. This amino acid position is conserved. In addition, this alteration is predicted to be tolerated by in silico analysis. Based on the available evidence, the clinical significance of this variant remains unclear.

NM_001130009.3(GEN1):c.1988G>A (p.Gly663Asp)

Gene: GEN1 (GEN1 Holliday junction 5' flap endonuclease; plus strand). Cytogenetic location: 2p24.2.
Variant type: single nucleotide variant.
Coding change: c.1988G>A on transcript NM_001130009.3 (MANE Select); coding-DNA position 1988, G replaced by A.
Protein change: p.Gly663Asp; replaces glycine 663 with aspartic acid.
Molecular consequence: missense variant.
Genome position (GRCh38, 1-based): chr2:17,781,200, G>A. VCF-style: chr2-17781200-G-A. GRCh37 (hg19) VCF-style: chr2-17962467-G-A.
Other names: c.1988G>A, p.Gly663Asp (NM_182625.5); short protein forms G663D.
Identifiers: ClinVar variation 3519750 (VCV003519750.1).